The following is an entry in ClinVar:

NM_138927.4(SON):c.3049A>G (p.Met1017Val)

Gene: SON (SON DNA and RNA binding protein; plus strand). Cytogenetic location: 21q22.11.
Variant type: single nucleotide variant.
Coding change: c.3049A>G on transcript NM_138927.4 (MANE Select); coding-DNA position 3049, A replaced by G.
Protein change: p.Met1017Val; replaces methionine 1017 with valine.
Molecular consequence: missense variant. On other transcripts: non-coding transcript variant (1), intron variant (1).
Genome position (GRCh38, 1-based): chr21:33,552,280, A>G. VCF-style: chr21-33552280-A-G. GRCh37 (hg19) VCF-style: chr21-34924586-A-G.
Other names: c.3049A>G, p.Met1017Val (NM_001291411.2, NM_001412133.1, NM_032195.3 and 2 more transcripts); c.245-4876A>G (NM_001291412.3); short protein forms M1017V.
Identifiers: ClinVar variation 2988851 (VCV002988851.3), dbSNP rs1298367893, ClinGen allele CA410159336.

ClinVar aggregate classification (germline): Uncertain significance (1 of 4 stars; one submission).

Allele frequency attached by ClinVar (database versions not stated): gnomAD exomes below 0.00001.

Submission:

Labcorp Genetics (formerly Invitae), Labcorp
Classification: Uncertain significance. Last evaluated: 2022-11-04. Review status: criteria provided, single submitter. Criteria: Invitae Variant Classification Sherloc (09022015). Collection method: clinical testing. Allele origin: germline.
Comment: In summary, the available evidence is currently insufficient to determine the role of this variant in disease. Therefore, it has been classified as a Variant of Uncertain Significance. Algorithms developed to predict the effect of missense changes on protein structure and function are either unavailable or do not agree on the potential impact of this missense change (SIFT: "Deleterious"; PolyPhen-2: "Probably Damaging"; Align-GVGD: "Class C0"). This variant has not been reported in the literature in individuals affected with SON-related conditions. This variant is present in population databases (no rsID available, gnomAD 0.003%). This sequence change replaces methionine, which is neutral and non-polar, with valine, which is neutral and non-polar, at codon 1017 of the SON protein (p.Met1017Val).